The following is an entry in ClinVar:

ClinVar aggregate classification (germline): Likely benign. Review status: criteria provided, multiple submitters, no conflicts (2 of 4 stars). 4 submissions from 4 submitters: Likely benign (4). Last evaluated 2025-11-26.

Conditions:
TTN-related disorder. Also called: TTN-related disorders; TTN-related condition; TTN-related disease.
Cardiovascular phenotype. Identifiers: MedGen CN230736.
Dilated cardiomyopathy 1G (CMD1G). Identifiers: Orphanet 154, MedGen C1858763, MONDO:0011400, OMIM 604145.
Autosomal recessive limb-girdle muscular dystrophy type 2J (LGMDR10). Also called: Limb-girdle muscular dystrophy, type 2J; MUSCULAR DYSTROPHY, LIMB-GIRDLE, AUTOSOMAL RECESSIVE 10. Identifiers: Orphanet 140922, MedGen C1837342, MONDO:0012127, OMIM 608807.

Allele frequency attached by ClinVar (database versions not stated): gnomAD 0.00002; TOPMed 0.00004; ESP Exome Variant Server 0.00008.
gnomAD v4.1: 8 of 1,613,026 alleles (0.0005%); highest among the groups gnomAD compares: African/African-American, 0.011%; no homozygotes.

Submissions (4):

Labcorp Genetics (formerly Invitae), Labcorp
Classification: Likely benign for Dilated cardiomyopathy 1G; Autosomal recessive limb-girdle muscular dystrophy type 2J. Last evaluated: 2025-11-26. Review status: criteria provided, single submitter. Criteria: Invitae Variant Classification Sherloc (09022015). Collection method: clinical testing. Allele origin: germline.

PreventionGenetics, part of Exact Sciences
Classification: Likely benign for TTN-related condition. Last evaluated: 2025-07-24. Review status: criteria provided, single submitter. Criteria: ACMG Guidelines, 2015. Collection method: clinical testing. Allele origin: germline.
Comment: This variant is classified as likely benign based on ACMG/AMP sequence variant interpretation guidelines (Richards et al. 2015 PMID: 25741868, with internal and published modifications).

Ambry Genetics
Classification: Likely benign for Cardiovascular phenotype. Last evaluated: 2022-05-04. Review status: criteria provided, single submitter. Criteria: Ambry Variant Classification Scheme 2023. Collection method: clinical testing. Allele origin: germline.

Laboratory for Molecular Medicine, Mass General Brigham Personalized Medicine
Classification: Likely benign. Last evaluated: 2012-03-19. Review status: criteria provided, single submitter. Criteria: LMM Criteria. Collection method: clinical testing. Allele origin: germline. Observed: 1 variant allele.
Comment: p.Thr21814Thr in exon 275 of TTN: This variant is not expected to have clinical significance because it does not alter an amino acid residue and is not located within the splice consensus sequence. It has been identified in 1/3348 African A merican chromosomes from a broad population by the NHLBI Exome Sequencing Projec t.

NM_001267550.2(TTN):c.73146T>A (p.Thr24382=)

Genes: TTN (titin; minus strand), TTN-AS1 (TTN antisense RNA 1; plus strand). Cytogenetic location: 2q31.2.
Variant type: single nucleotide variant.
Coding change: c.73146T>A on transcript NM_001267550.2 (MANE Select); coding-DNA position 73146, T replaced by A.
Protein change: p.Thr24382=; no amino-acid change (threonine 24382 retained).
Molecular consequence: synonymous variant.
Genome position (GRCh38, 1-based): chr2:178,572,986, A>T on the plus strand (T>A on the coding strand, the complement: TTN is on the minus strand). VCF-style: chr2-178572986-A-T. GRCh37 (hg19) VCF-style: chr2-179437713-A-T.
Other names: c.65442T>A, p.Thr21814= (NM_133378.4); c.68223T>A, p.Thr22741= (NM_001256850.1); c.45951T>A, p.Thr15317= (NM_003319.4); c.46326T>A, p.Thr15442= (NM_133432.3); c.46527T>A, p.Thr15509= (NM_133437.4).
Identifiers: ClinVar variation 228138 (VCV000228138.17), dbSNP rs372092427, ClinGen allele CA10576484.